The following is an entry in ClinVar:

NM_000501.4(ELN):c.592C>T (p.Pro198Ser)

Gene: ELN (elastin; plus strand). Cytogenetic location: 7q11.23.
Variant type: single nucleotide variant.
Coding change: c.592C>T on transcript NM_000501.4 (MANE Select); coding-DNA position 592, C replaced by T.
Protein change: p.Pro198Ser; replaces proline 198 with serine.
Molecular consequence: missense variant.
Genome position (GRCh38, 1-based): chr7:74,046,716, C>T. VCF-style: chr7-74046716-C-T. GRCh37 (hg19) VCF-style: chr7-73461046-C-T.
Other names: c.562C>T, p.Pro188Ser (NM_001081752.3, NM_001278917.2); c.607C>T, p.Pro203Ser (NM_001081753.3, NM_001081754.3); c.592C>T, p.Pro198Ser (NM_001081755.3, NM_001278912.2, NM_001278915.2 and 2 more transcripts); c.526C>T, p.Pro176Ser (NM_001278913.2); c.577C>T, p.Pro193Ser (NM_001278914.2); c.460C>T, p.Pro154Ser (NM_001278918.2); short protein forms P176S, P203S, P154S, P188S, P193S, P198S.
Identifiers: ClinVar variation 2384667 (VCV002384667.5), dbSNP rs782092039, ClinGen allele CA4292583.

ClinVar aggregate classification (germline): Uncertain significance. Review status: criteria provided, multiple submitters, no conflicts (2 of 4 stars). 2 submissions from 2 submitters: Uncertain significance (2). Last evaluated 2022-11-29.

Conditions:
Inborn genetic diseases. Identifiers: MedGen C0950123, MeSH D030342.
Supravalvar aortic stenosis (SVAS). Also called: Supravalvar aortic stenosis, Eisenberg type. Identifiers: Orphanet 3193, MedGen C0003499, MONDO:0008504, OMIM 185500, HP:0004381.

Allele frequency attached by ClinVar (database versions not stated): ExAC 0.00002; gnomAD exomes 0.00002; TOPMed 0.00002.
gnomAD v4.1: 14 of 1,614,184 alleles (0.00087%); highest among the groups gnomAD compares: Admixed American, 0.022%; no homozygotes.

Submissions (2):

Labcorp Genetics (formerly Invitae), Labcorp
Classification: Uncertain significance for Supravalvar aortic stenosis. Last evaluated: 2022-11-29. Review status: criteria provided, single submitter. Criteria: Invitae Variant Classification Sherloc (09022015). Collection method: clinical testing. Allele origin: germline.
Comment: In summary, the available evidence is currently insufficient to determine the role of this variant in disease. Therefore, it has been classified as a Variant of Uncertain Significance. Advanced modeling of protein sequence and biophysical properties (such as structural, functional, and spatial information, amino acid conservation, physicochemical variation, residue mobility, and thermodynamic stability) performed at Invitae indicates that this missense variant is not expected to disrupt ELN protein function. This variant has not been reported in the literature in individuals affected with ELN-related conditions. This variant is present in population databases (rs782092039, gnomAD 0.03%). This sequence change replaces proline, which is neutral and non-polar, with serine, which is neutral and polar, at codon 198 of the ELN protein (p.Pro198Ser).

Ambry Genetics
Classification: Uncertain significance for Inborn genetic diseases. Last evaluated: 2021-07-14. Review status: criteria provided, single submitter. Criteria: Ambry Variant Classification Scheme 2023. Collection method: clinical testing. Allele origin: germline.